The following is an entry in ClinVar:

NM_002691.4(POLD1):c.1A>G (p.Met1Val)

Gene: POLD1 (DNA polymerase delta 1, catalytic subunit; plus strand). Cytogenetic location: 19q13.33.
Variant type: single nucleotide variant.
Coding change: c.1A>G on transcript NM_002691.4 (MANE Select); coding-DNA position 1, A replaced by G.
Protein change: p.Met1Val; changes the start codon (methionine 1).
Molecular consequence: missense variant, initiator codon variant. On other transcripts: non-coding transcript variant (1).
Genome position (GRCh38, 1-based): chr19:50,398,852, A>G. VCF-style: chr19-50398852-A-G. GRCh37 (hg19) VCF-style: chr19-50902109-A-G.
Other names: c.1A>G, p.Met1Val (NM_001256849.1, NM_001308632.1); short protein forms M1V.
Identifiers: ClinVar variation 845531 (VCV000845531.10), dbSNP rs2038467552, ClinGen allele CA406969950.

ClinVar aggregate classification (germline): Uncertain significance (1 of 4 stars; one submission).

Conditions:
POLD1-related polyposis and colorectal cancer syndrome (CRCS10). Also called: Colorectal cancer 10; COLORECTAL CANCER, SUSCEPTIBILITY TO, ON CHROMOSOME 19q; Colorectal cancer, susceptibility to, 10. Identifiers: Orphanet 220460, MedGen C2675481, MONDO:0012953, OMIM 612591.

Submission:

Labcorp Genetics (formerly Invitae), Labcorp
Classification: Uncertain significance for POLD1-related polyposis and colorectal cancer syndrome. Last evaluated: 2019-12-23. Review status: criteria provided, single submitter. Criteria: Invitae Variant Classification Sherloc (09022015). Collection method: clinical testing. Allele origin: germline.
Comment: Experimental studies are not available for this variant and it is currently unknown if there is translational rescue by the in-frame methionine at position 41. Missense variants that disrupt the 3'-5' exonuclease (proof-reading) activity of the POLD1 protein, are associated with an increased risk for colonic adenomatous polyps and colon cancer (PMID: 23263490, 23447401). However loss-of-function variants, which result in an absent or severely disrupted POLD1 protein, and missense variants outside the exonuclease domain, are unlikely to be associated with polyposis or colon cancer. Without further clinical and genetic evidence, this variant has been classified as a Variant of Uncertain Significance. This variant has not been reported in the literature in individuals with POLD1-related conditions. This variant is not present in population databases (ExAC no frequency). This sequence change affects the initiator methionine of the POLD1 mRNA. The next in-frame methionine is located at codon 41.

Literature cited by the submitters: PubMed 23263490; PubMed 23447401.